The following is an entry in ClinVar:

ClinVar aggregate classification (germline): Pathogenic (1 of 4 stars; one submission).

Allele frequency attached by ClinVar (database versions not stated): TOPMed below 0.00001; gnomAD 0.00001.
gnomAD v4.1: 1 of 1,614,084 alleles (0.000062%); highest among the groups gnomAD compares: Non-Finnish European, 0.000085%; no homozygotes.

Submission:

Labcorp Genetics (formerly Invitae), Labcorp
Classification: Pathogenic. Last evaluated: 2020-12-20. Review status: criteria provided, single submitter. Criteria: Invitae Variant Classification Sherloc (09022015). Collection method: clinical testing. Allele origin: germline.
Comment: This variant is not present in population databases (ExAC no frequency). This variant has been observed in individual(s) Gitelman syndrome (PMID: 21415153). In at least one individual the data is consistent with the variant being in trans (on the opposite chromosome) from a pathogenic variant. Algorithms developed to predict the effect of sequence changes on RNA splicing suggest that this variant may disrupt the consensus splice site, but this prediction has not been confirmed by published transcriptional studies. For these reasons, this variant has been classified as Pathogenic. This sequence change affects a donor splice site in intron 8 of the SLC12A3 gene. It is expected to disrupt RNA splicing. Variants that disrupt the donor or acceptor splice site typically lead to a loss of protein function (PMID: 16199547), and loss-of-function variants in SLC12A3 are known to be pathogenic (PMID: 20848653, 22009145, 25841442).

Literature cited by the submitters: PubMed 21415153; PubMed 16199547; PubMed 20848653; PubMed 22009145; PubMed 25841442.

NM_001126108.2(SLC12A3):c.1095+1G>T

Gene: SLC12A3 (solute carrier family 12 member 3; plus strand). Cytogenetic location: 16q13.
Variant type: single nucleotide variant.
Coding change: c.1095+1G>T on transcript NM_001126108.2 (MANE Select); the canonical splice donor site of the intron after coding-DNA position 1095, G replaced by T.
Molecular consequence: splice donor variant.
Genome position (GRCh38, 1-based): chr16:56,872,787, G>T. VCF-style: chr16-56872787-G-T. GRCh37 (hg19) VCF-style: chr16-56906699-G-T.
Other names: c.1095+1G>T (NM_000339.3); c.1092+1G>T (NM_001126107.2, NM_001410896.1).
Identifiers: ClinVar variation 1456627 (VCV001456627.8), dbSNP rs1310654829, ClinGen allele CA395983942.
Genomic context (GRCh38, chr16:56,872,787, plus strand): 5'-ATCTTCTTCCCCTCGGCCACAGGCATCCTGGCAGGGGCCAACATATCTGGTGACCTCAAG[G>T]TGAGCAGAATACTTGCCCCTCCTGTGTCCTGGCACTGCACAGGGGCTATGAGCAGAATCC-3'